The following is an entry in ClinVar:

ClinVar aggregate classification (germline): Conflicting classifications of pathogenicity. Review status: criteria provided, conflicting classifications (1 of 4 stars). 8 submissions from 8 submitters: Uncertain significance (7); Likely benign (1). Last evaluated 2025-09-27.

Conditions:
Hereditary cancer. Identifiers: MedGen C1333600.
RECON progeroid syndrome (RECON). Identifiers: MedGen C5830504, MONDO:0957266, OMIM 620370.

Allele frequency attached by ClinVar (database versions not stated): gnomAD 0.00011 and 0.00013; TOPMed 0.00013; ExAC 0.00014; gnomAD exomes 0.00018.
gnomAD v4.1: 209 of 1,604,084 alleles (0.013%); highest among the groups gnomAD compares: Middle Eastern, 0.05%; no homozygotes.

Submissions (8):

Labcorp Genetics (formerly Invitae), Labcorp
Classification: Uncertain significance. Last evaluated: 2025-09-27. Review status: criteria provided, single submitter. Criteria: Invitae Variant Classification Sherloc (09022015). Collection method: clinical testing. Allele origin: germline.
Comment: This sequence change replaces isoleucine, which is neutral and non-polar, with methionine, which is neutral and non-polar, at codon 156 of the RECQL protein (p.Ile156Met). This variant is present in population databases (rs777214281, gnomAD 0.06%), and has an allele count higher than expected for a pathogenic variant. This missense change has been observed in individual(s) with breast cancer (PMID: 29341116, 30224651). It has also been observed to segregate with disease in related individuals. ClinVar contains an entry for this variant (Variation ID: 584818). Invitae Evidence Modeling of protein sequence and biophysical properties (such as structural, functional, and spatial information, amino acid conservation, physicochemical variation, residue mobility, and thermodynamic stability) has been performed for this missense variant. However, the output from this modeling did not meet the statistical confidence thresholds required to predict the impact of this variant on RECQL protein function. In summary, the available evidence is currently insufficient to determine the role of this variant in disease. Therefore, it has been classified as a Variant of Uncertain Significance.

GeneDx
Classification: Uncertain significance. Last evaluated: 2025-06-15. Review status: criteria provided, single submitter. Criteria: GeneDx Variant Classification Process June 2021. Collection method: clinical testing. Allele origin: germline. Affected: yes.
Comment: Observed in individuals with breast or ovarian cancer and incompletely segregates with disease in at least one family (PMID: 30224651, 29341116, 35264596); In silico analysis suggests that this missense variant does not alter protein structure/function; Variants in candidate genes are classified as variants of uncertain significance in accordance with ACMG guidelines (PMID: 25741868); This variant is associated with the following publications: (PMID: 30610487, 30224648, 32517021, 35264596, 30224651, 29341116, 33471991, 19151156, 27248010)

Quest Diagnostics Nichols Institute San Juan Capistrano
Classification: Uncertain significance. Last evaluated: 2025-06-11. Review status: criteria provided, single submitter. Criteria: Quest Diagnostics criteria. Collection method: clinical testing. Allele origin: unknown.
Comment: The RECQL c.468T>G (p.Ile156Met) variant has been reported in the published literature in individuals affected with breast and/or ovarian cancer (PMID: 29341116 (2018), 30224651 (2018), 35264596 (2022), 38874686 (2024), 33471991 (2021), see also LOVD), and reportedly unaffected individuals (PMID: 32546565 (2021), 33471991 (2021), see also LOVD). The frequency of this variant in the general population (Genome Aggregation Database) is higher than would generally be expected for pathogenic variants in this gene. Analysis of this variant using bioinformatics tools for the prediction of the effect of amino acid changes on protein structure and function yielded conflicting predictions that this variant is benign or damaging. Based on the available information, we are unable to determine the clinical significance of this variant.

Ambry Genetics
Classification: Uncertain significance. Last evaluated: 2025-02-27. Review status: criteria provided, single submitter. Criteria: Ambry Variant Classification Scheme 2023. Collection method: clinical testing. Allele origin: germline.
Comment: The p.I156M variant (also known as c.468T>G), located in coding exon 4 of the RECQL gene, results from a T to G substitution at nucleotide position 468. The isoleucine at codon 156 is replaced by methionine, an amino acid with highly similar properties. This variant was reported in 2/4536 female BRCA1/2-negative index patients diagnosed with breast or ovarian cancer and was not observed in 4576 cancer-free control subjects above 40 years of age (Li N et al. Nat Genet, 2018 10;50:1346-1348). This alteration was also identified in 6/1946 Finnish breast cancer cases and 0/1408 Finnish controls (Tervasm&auml;ki A et al. Int J Cancer, 2018 06;142:2286-2292). This amino acid position is not well conserved in available vertebrate species. In addition, this alteration is predicted to be tolerated by in silico analysis. Since supporting evidence is limited at this time, the clinical significance of this alteration remains unclear.

Fulgent Genetics
Classification: Uncertain significance for RECON progeroid syndrome. Last evaluated: 2024-06-13. Review status: criteria provided, single submitter. Criteria: ACMG Guidelines, 2015. Collection method: clinical testing. Allele origin: germline.

Mendelics
Classification: Likely benign for Hereditary cancer. Last evaluated: 2024-01-23. Review status: criteria provided, single submitter. Criteria: ACMG Guidelines, 2015. Collection method: clinical testing. Allele origin: unknown.

ARUP Laboratories, Molecular Genetics and Genomics, ARUP Laboratories
Classification: Uncertain significance. Last evaluated: 2021-08-26. Review status: criteria provided, single submitter. Criteria: ARUP Molecular Germline Variant Investigation Process 2021. Collection method: clinical testing. Allele origin: germline.
Comment: The RECQL c.468T>G; p.Ile156Met variant (rs777214281) is reported in the literature in multiple individuals and families affected with breast cancer (Tervasmaki 2018). This variant was found to be significantly enriched among Finnish breast cancer patients compared to controls; however, it was also absent from several affected members of two families (Tervasmaki 2018). This variant is found in the Finnish European population with an overall allele frequency of 0.06% (15/24676 alleles) in the Genome Aggregation Database. The isoleucine at codon 156 is moderately conserved, and computational analyses are uncertain whether this variant is neutral or deleterious (REVEL: 0.273). Due to limited and conflicting information, the clinical significance of the p.Ile156Met variant is uncertain at this time. References: Tervasmaki et al. Rare missense mutations in RECQL and POLG associate with inherited predisposition to breast cancer. Int J Cancer. 2018 Jun 1;142(11):2286-2292. PMID 29341116.

Revvity Omics, Revvity
Classification: Uncertain significance for RECON progeroid syndrome. Last evaluated: 2019-05-10. Review status: criteria provided, single submitter. Criteria: ACMG Guidelines, 2015. Collection method: clinical testing. Allele origin: germline.

Literature cited by the submitters: PubMed 29341116 (cited by 3 submitters); PubMed 30224651 (cited by 3 submitters); PubMed 32546565 (cited by Quest Diagnostics Nichols Institute San Juan Capistrano); PubMed 38874686 (cited by Quest Diagnostics Nichols Institute San Juan Capistrano); PubMed 33471991 (cited by Quest Diagnostics Nichols Institute San Juan Capistrano); PubMed 35264596 (cited by Quest Diagnostics Nichols Institute San Juan Capistrano); PubMed 30610487 (cited by Quest Diagnostics Nichols Institute San Juan Capistrano).

NM_002907.4(RECQL):c.468T>G (p.Ile156Met)

Gene: RECQL (RecQ like helicase; minus strand). Cytogenetic location: 12p12.1.
Variant type: single nucleotide variant.
Coding change: c.468T>G on transcript NM_002907.4 (MANE Select); coding-DNA position 468, T replaced by G.
Protein change: p.Ile156Met; replaces isoleucine 156 with methionine.
Molecular consequence: missense variant.
Genome position (GRCh38, 1-based): chr12:21,486,512, A>C on the plus strand (T>G on the coding strand, the complement: RECQL is on the minus strand). VCF-style: chr12-21486512-A-C. GRCh37 (hg19) VCF-style: chr12-21639446-A-C.
Other names: c.468T>G, p.Ile156Met (NM_032941.3); short protein forms I156M.
Identifiers: ClinVar variation 584818 (VCV000584818.32), dbSNP rs777214281, ClinGen allele CA6479071.